The following is an entry in ClinVar:

NM_177438.3(DICER1):c.4469G>A (p.Gly1490Asp)

Gene: DICER1 (dicer 1, ribonuclease III; minus strand). Cytogenetic location: 14q32.13.
Variant type: single nucleotide variant.
Coding change: c.4469G>A on transcript NM_177438.3 (MANE Select); coding-DNA position 4469, G replaced by A.
Protein change: p.Gly1490Asp; replaces glycine 1490 with aspartic acid.
Molecular consequence: missense variant.
Genome position (GRCh38, 1-based): chr14:95,096,451, C>T on the plus strand (G>A on the coding strand, the complement: DICER1 is on the minus strand). VCF-style: chr14-95096451-C-T. GRCh37 (hg19) VCF-style: chr14-95562788-C-T.
Other names: c.4469G>A, p.Gly1490Asp (NM_001195573.1, NM_001271282.3, NM_001291628.2 and 1 more transcripts); short protein forms G1490D.
Identifiers: ClinVar variation 650903 (VCV000650903.12), dbSNP rs1595341311, ClinGen allele CA390868267.

ClinVar aggregate classification (germline): Uncertain significance. Review status: criteria provided, multiple submitters, no conflicts (2 of 4 stars). 2 submissions from 2 submitters: Uncertain significance (2). Last evaluated 2024-11-20.

Conditions:
Hereditary cancer-predisposing syndrome. Also called: Hereditary Cancer Syndrome; Tumor predisposition; Neoplastic Syndromes, Hereditary; Hereditary neoplastic syndrome. Identifiers: Orphanet 140162, MedGen C0027672, MeSH D009386, MONDO:0015356.
DICER1-related tumor predisposition. Also called: DICER1-related pleuropulmonary blastoma cancer predisposition syndrome; DICER1 syndrome. Identifiers: Orphanet 284343, MedGen C3839822, MONDO:0100216.

Submissions (2):

Labcorp Genetics (formerly Invitae), Labcorp
Classification: Uncertain significance for DICER1-related tumor predisposition. Last evaluated: 2024-11-20. Review status: criteria provided, single submitter. Criteria: Invitae Variant Classification Sherloc (09022015). Collection method: clinical testing. Allele origin: germline.
Comment: This sequence change replaces glycine, which is neutral and non-polar, with aspartic acid, which is acidic and polar, at codon 1490 of the DICER1 protein (p.Gly1490Asp). This variant is not present in population databases (gnomAD no frequency). This variant has not been reported in the literature in individuals affected with DICER1-related conditions. ClinVar contains an entry for this variant (Variation ID: 650903). Invitae Evidence Modeling of protein sequence and biophysical properties (such as structural, functional, and spatial information, amino acid conservation, physicochemical variation, residue mobility, and thermodynamic stability) indicates that this missense variant is not expected to disrupt DICER1 protein function with a negative predictive value of 95%. In summary, the available evidence is currently insufficient to determine the role of this variant in disease. Therefore, it has been classified as a Variant of Uncertain Significance.

Ambry Genetics
Classification: Uncertain significance for Hereditary cancer-predisposing syndrome. Last evaluated: 2021-12-07. Review status: criteria provided, single submitter. Criteria: Ambry Variant Classification Scheme 2023. Collection method: clinical testing. Allele origin: germline.
Comment: The p.G1490D variant (also known as c.4469G>A), located in coding exon 22 of the DICER1 gene, results from a G to A substitution at nucleotide position 4469. The glycine at codon 1490 is replaced by aspartic acid, an amino acid with similar properties. This amino acid position is well conserved in available vertebrate species. In addition, the in silico prediction for this alteration is inconclusive. Since supporting evidence is limited at this time, the clinical significance of this alteration remains unclear.